The following is an entry in ClinVar:

NM_002470.4(MYH3):c.3208C>A (p.Leu1070Met)

Gene: MYH3 (myosin heavy chain 3; minus strand). Cytogenetic location: 17p13.1.
Variant type: single nucleotide variant.
Coding change: c.3208C>A on transcript NM_002470.4 (MANE Select); coding-DNA position 3208, C replaced by A.
Protein change: p.Leu1070Met; replaces leucine 1070 with methionine.
Molecular consequence: missense variant.
Genome position (GRCh38, 1-based): chr17:10,639,084, G>T on the plus strand (C>A on the coding strand, the complement: MYH3 is on the minus strand). VCF-style: chr17-10639084-G-T. GRCh37 (hg19) VCF-style: chr17-10542401-G-T.
Other names: short protein forms L1070M.
Identifiers: ClinVar variation 2841989 (VCV002841989.3), dbSNP rs2074244680, ClinGen allele CA398154244.

ClinVar aggregate classification (germline): Uncertain significance (1 of 4 stars; one submission).

Submission:

Labcorp Genetics (formerly Invitae), Labcorp
Classification: Uncertain significance. Last evaluated: 2023-03-01. Review status: criteria provided, single submitter. Criteria: Invitae Variant Classification Sherloc (09022015). Collection method: clinical testing. Allele origin: germline.
Comment: In summary, the available evidence is currently insufficient to determine the role of this variant in disease. Therefore, it has been classified as a Variant of Uncertain Significance. Advanced modeling of protein sequence and biophysical properties (such as structural, functional, and spatial information, amino acid conservation, physicochemical variation, residue mobility, and thermodynamic stability) performed at Invitae indicates that this missense variant is not expected to disrupt MYH3 protein function. This variant has not been reported in the literature in individuals affected with MYH3-related conditions. This variant is not present in population databases (gnomAD no frequency). This sequence change replaces leucine, which is neutral and non-polar, with methionine, which is neutral and non-polar, at codon 1070 of the MYH3 protein (p.Leu1070Met).